The following is an entry in ClinVar:

ClinVar aggregate classification (germline): Likely benign (1 of 4 stars; one submission).

Allele frequency attached by ClinVar (database versions not stated): ExAC 0.00003; TOPMed 0.00004.
gnomAD v4.1: 71 of 1,613,642 alleles (0.0044%); highest among the groups gnomAD compares: Non-Finnish European, 0.0058%; no homozygotes.

Submission:

CeGaT Center for Human Genetics Tuebingen
Classification: Likely benign. Last evaluated: 2022-06-01. Review status: criteria provided, single submitter. Criteria: CeGaT Center For Human Genetics Tuebingen Variant Classification Criteria Version 2. Collection method: clinical testing. Allele origin: germline. Affected: yes. Observed: 1 variant allele.
Comment: PCDHGB6: BP4, BP7

NM_018926.3(PCDHGB6):c.1962C>T (p.Leu654=)

Genes: PCDHG@ (protocadherin gamma cluster; plus strand), PCDHGA1 (protocadherin gamma subfamily A, 1; plus strand), PCDHGA2 (protocadherin gamma subfamily A, 2; plus strand), PCDHGA3 (protocadherin gamma subfamily A, 3; plus strand), PCDHGA4 (protocadherin gamma subfamily A, 4; plus strand) and 11 more. Cytogenetic location: 5q31.3.
Variant type: single nucleotide variant.
Coding change: c.1962C>T on transcript NM_018926.3 (MANE Select); coding-DNA position 1962, C replaced by T.
Protein change: p.Leu654=; no amino-acid change (leucine 654 retained).
Molecular consequence: synonymous variant. On other transcripts: intron variant (14).
Genome position (GRCh38, 1-based): chr5:141,410,164, C>T. VCF-style: chr5-141410164-C-T. GRCh37 (hg19) VCF-style: chr5-140789731-C-T.
Other names: c.1962C>T, p.Leu654= (NM_001386906.1, NM_032100.1); c.2421+77059C>T (NM_018912.3); c.2424+68769C>T (NM_018915.4); c.2424+63707C>T (NM_018916.4); c.2409+57495C>T (NM_018922.3); c.2514+52543C>T (NM_018917.4); c.2421+47608C>T (NM_018923.3); c.2421+43413C>T (NM_018918.3); and 7 more.
Identifiers: ClinVar variation 2655858 (VCV002655858.24), dbSNP rs756470415, ClinGen allele CA3474748.